The following is an entry in ClinVar:

ClinVar aggregate classification (germline): Benign. Review status: criteria provided, multiple submitters, no conflicts (2 of 4 stars). 6 submissions from 6 submitters: Benign (5). 1 of the submissions does not count toward it. Last evaluated 2026-01-28.

Conditions:
Pontoneocerebellar hypoplasia. Also called: Non-syndromic pontocerebellar hypoplasia; Pontocerebellar hypoplasia. Identifiers: Orphanet 98523, MedGen C1261175, MONDO:0020135.
TSEN2-related disorder. Also called: TSEN2-related condition.

Allele frequency attached by ClinVar (database versions not stated): gnomAD exomes 0.00328 and 0.00127; ExAC 0.00410; gnomAD 0.01287 and 0.01389; 1000 Genomes Project 0.01318; ESP Exome Variant Server 0.01430; 1000 Genomes Project 30x 0.01483; TOPMed 0.01497.
gnomAD v4.1: 3,871 of 1,614,082 alleles (0.24%); highest among the groups gnomAD compares: African/African-American, 4.3%; 74 homozygotes.

Submissions (6):

Labcorp Genetics (formerly Invitae), Labcorp
Classification: Benign. Last evaluated: 2026-01-28. Review status: criteria provided, single submitter. Criteria: Invitae Variant Classification Sherloc (09022015). Collection method: clinical testing. Allele origin: germline.

Illumina Laboratory Services, Illumina
Classification: Benign for Pontoneocerebellar hypoplasia. Last evaluated: 2018-01-13. Review status: criteria provided, single submitter. Criteria: ICSL Variant Classification Criteria 13 December 2019. Collection method: clinical testing. Allele origin: germline.
Comment: This variant was observed in the ICSL laboratory as part of a predisposition screen in an ostensibly healthy population. It had not been previously curated by ICSL or reported in the Human Gene Mutation Database (HGMD: prior to June 1st, 2018), and was therefore a candidate for classification through an automated scoring system. Utilizing variant allele frequency, disease prevalence and penetrance estimates, and inheritance mode, an automated score was calculated to assess if this variant is too frequent to cause the disease. Based on the score and internal cut-off values, a variant classified as benign is not then subjected to further curation. The score for this variant resulted in a classification of benign for this disease.

GeneDx
Classification: Benign. Last evaluated: 2016-03-11. Review status: criteria provided, single submitter. Criteria: GeneDx Variant Classification (06012015). Collection method: clinical testing. Allele origin: germline. Affected: yes.
Comment: This variant is considered likely benign or benign based on one or more of the following criteria: it is a conservative change, it occurs at a poorly conserved position in the protein, it is predicted to be benign by multiple in silico algorithms, and/or has population frequency not consistent with disease.

Genetic Services Laboratory, University of Chicago
Classification: Benign. Last evaluated: 2013-02-08. Review status: criteria provided, single submitter. Criteria: ACMG Guidelines, 2007. Collection method: clinical testing. Allele origin: germline. Inheritance: Autosomal recessive inheritance.

Breakthrough Genomics
Classification: Benign. Review status: criteria provided, single submitter. Criteria: ACMG Guidelines, 2015. Collection method: not provided. Allele origin: germline. Inheritance: Autosomal recessive inheritance. Affected: yes.

PreventionGenetics, part of Exact Sciences
Classification: Likely benign for TSEN2-related condition. Last evaluated: 2021-02-23. Review status: no assertion criteria provided. Collection method: clinical testing. Allele origin: germline. Not counted in ClinVar's aggregate classification.
Comment: This variant is classified as likely benign based on ACMG/AMP sequence variant interpretation guidelines (Richards et al. 2015 PMID: 25741868, with internal and published modifications).

NM_025265.4(TSEN2):c.1350G>A (p.Leu450=)

Gene: TSEN2 (tRNA splicing endonuclease subunit 2; plus strand). Cytogenetic location: 3p25.2.
Variant type: single nucleotide variant.
Coding change: c.1350G>A on transcript NM_025265.4 (MANE Select); coding-DNA position 1350, G replaced by A.
Protein change: p.Leu450=; no amino-acid change (leucine 450 retained).
Molecular consequence: synonymous variant. On other transcripts: non-coding transcript variant (1), intron variant (1).
Genome position (GRCh38, 1-based): chr3:12,532,673, G>A. VCF-style: chr3-12532673-G-A. GRCh37 (hg19) VCF-style: chr3-12574172-G-A.
Other names: c.1350G>A, p.Leu450= (NM_001145392.2, NM_001321277.2); c.1272G>A, p.Leu424= (NM_001145393.3, NM_001321279.2); c.1173G>A, p.Leu391= (NM_001145394.2); c.1338+1014G>A (NM_001321278.2).
Identifiers: ClinVar variation 160107 (VCV000160107.20), dbSNP rs116627250, ClinGen allele CA173676.